The following is an entry in ClinVar:

ClinVar aggregate classification (germline): Uncertain significance. Review status: criteria provided, multiple submitters, no conflicts (2 of 4 stars). 2 submissions from 2 submitters: Uncertain significance (2). Last evaluated 2024-11-27.

Allele frequency attached by ClinVar (database versions not stated): TOPMed 0.00003; ExAC 0.00004; gnomAD 0.00004; gnomAD exomes 0.00004.
gnomAD v4.1: 63 of 1,612,390 alleles (0.0039%); highest among the groups gnomAD compares: Non-Finnish European, 0.0053%; no homozygotes.

Submissions (2):

Blueprint Genetics
Classification: Uncertain significance. Last evaluated: 2024-11-27. Review status: criteria provided, single submitter. Criteria: ACMG Guidelines, 2015. Collection method: clinical testing. Allele origin: germline.

Labcorp Genetics (formerly Invitae), Labcorp
Classification: Uncertain significance. Last evaluated: 2022-05-16. Review status: criteria provided, single submitter. Criteria: Invitae Variant Classification Sherloc (09022015). Collection method: clinical testing. Allele origin: germline.
Comment: This sequence change replaces arginine, which is basic and polar, with glutamine, which is neutral and polar, at codon 312 of the DHX38 protein (p.Arg312Gln). This variant is present in population databases (rs771943517, gnomAD 0.008%). This variant has not been reported in the literature in individuals affected with DHX38-related conditions. Algorithms developed to predict the effect of missense changes on protein structure and function are either unavailable or do not agree on the potential impact of this missense change (SIFT: "Deleterious"; PolyPhen-2: "Benign"; Align-GVGD: "Class C0"). In summary, the available evidence is currently insufficient to determine the role of this variant in disease. Therefore, it has been classified as a Variant of Uncertain Significance.

NM_014003.4(DHX38):c.935G>A (p.Arg312Gln)

Gene: DHX38 (DEAH-box helicase 38; plus strand). Cytogenetic location: 16q22.2.
Variant type: single nucleotide variant.
Coding change: c.935G>A on transcript NM_014003.4 (MANE Select); coding-DNA position 935, G replaced by A.
Protein change: p.Arg312Gln; replaces arginine 312 with glutamine.
Molecular consequence: missense variant.
Genome position (GRCh38, 1-based): chr16:72,099,255, G>A. VCF-style: chr16-72099255-G-A. GRCh37 (hg19) VCF-style: chr16-72133154-G-A.
Other names: short protein forms R312Q.
Identifiers: ClinVar variation 1385775 (VCV001385775.6), dbSNP rs771943517, ClinGen allele CA8160137.